The following is an entry in ClinVar:

ClinVar aggregate classification (germline): Uncertain significance (1 of 4 stars; one submission).

Conditions:
Hereditary cancer-predisposing syndrome. Also called: Neoplastic Syndromes, Hereditary; Tumor predisposition; Hereditary Cancer Syndrome; Hereditary neoplastic syndrome. Identifiers: Orphanet 140162, MedGen C0027672, MeSH D009386, MONDO:0015356.

Submission:

Ambry Genetics
Classification: Uncertain significance for Hereditary cancer-predisposing syndrome. Last evaluated: 2025-09-21. Review status: criteria provided, single submitter. Criteria: Ambry Variant Classification Scheme 2023. Collection method: clinical testing. Allele origin: germline.
Comment: The p.T826R variant (also known as c.2477C>G), located in coding exon 10 of the AXIN2 gene, results from a C to G substitution at nucleotide position 2477. The threonine at codon 826 is replaced by arginine, an amino acid with similar properties. This amino acid position is conserved. In addition, this alteration is predicted to be tolerated by in silico analysis. Based on the available evidence, the clinical significance of this variant remains unclear.

NM_004655.4(AXIN2):c.2477C>G (p.Thr826Arg)

Gene: AXIN2 (axin 2; minus strand). Cytogenetic location: 17q24.1.
Variant type: single nucleotide variant.
Coding change: c.2477C>G on transcript NM_004655.4 (MANE Select); coding-DNA position 2477, C replaced by G.
Protein change: p.Thr826Arg; replaces threonine 826 with arginine.
Molecular consequence: missense variant.
Genome position (GRCh38, 1-based): chr17:65,530,031, G>C on the plus strand (C>G on the coding strand, the complement: AXIN2 is on the minus strand). VCF-style: chr17-65530031-G-C. GRCh37 (hg19) VCF-style: chr17-63526149-G-C.
Other names: c.2282C>G, p.Thr761Arg (NM_001363813.1); short protein forms T826R, T761R.
Identifiers: ClinVar variation 4619539 (VCV004619539.1).